The following is an entry in ClinVar:

NM_001848.3(COL6A1):c.646G>T (p.Ala216Ser)

Gene: COL6A1 (collagen type VI alpha 1 chain; plus strand). Cytogenetic location: 21q22.3.
Variant type: single nucleotide variant.
Coding change: c.646G>T on transcript NM_001848.3 (MANE Select); coding-DNA position 646, G replaced by T.
Protein change: p.Ala216Ser; replaces alanine 216 with serine.
Molecular consequence: missense variant.
Genome position (GRCh38, 1-based): chr21:45,987,001, G>T. VCF-style: chr21-45987001-G-T. GRCh37 (hg19) VCF-style: chr21-47406915-G-T.
Other names: c.646G>T (NM_001848.2); short protein forms A216S.
Identifiers: ClinVar variation 498992 (VCV000498992.7), dbSNP rs750465594, ClinGen allele CA10069643.

ClinVar aggregate classification (germline): Uncertain significance. Review status: criteria provided, multiple submitters, no conflicts (2 of 4 stars). 3 submissions from 3 submitters: Uncertain significance (3). Last evaluated 2025-05-21.

Conditions:
Inborn genetic diseases. Identifiers: MedGen C0950123, MeSH D030342.
Bethlem myopathy 1A. Also called: Bethlem Muscular Dystrophy; MYOPATHY, BENIGN CONGENITAL, WITH CONTRACTURES; Bethlem myopathy 1. Identifiers: Orphanet 610, MedGen CN029274, MONDO:0024530, OMIM 158810.

Allele frequency attached by ClinVar (database versions not stated): ExAC below 0.00001; gnomAD exomes below 0.00001.
gnomAD v4.1: 2 of 1,551,170 alleles (0.00013%); highest among the groups gnomAD compares: South Asian, 0.0024%; no homozygotes.

Submissions (3):

Labcorp Genetics (formerly Invitae), Labcorp
Classification: Uncertain significance for Bethlem myopathy 1A. Last evaluated: 2025-05-21. Review status: criteria provided, single submitter. Criteria: Invitae Variant Classification Sherloc (09022015). Collection method: clinical testing. Allele origin: germline.
Comment: This sequence change replaces alanine, which is neutral and non-polar, with serine, which is neutral and polar, at codon 216 of the COL6A1 protein (p.Ala216Ser). This variant is not present in population databases (gnomAD no frequency). This variant has not been reported in the literature in individuals affected with COL6A1-related conditions. ClinVar contains an entry for this variant (Variation ID: 498992). Invitae Evidence Modeling of protein sequence and biophysical properties (such as structural, functional, and spatial information, amino acid conservation, physicochemical variation, residue mobility, and thermodynamic stability) indicates that this missense variant is not expected to disrupt COL6A1 protein function with a negative predictive value of 95%. In summary, the available evidence is currently insufficient to determine the role of this variant in disease. Therefore, it has been classified as a Variant of Uncertain Significance.

Ambry Genetics
Classification: Uncertain significance for Inborn genetic diseases. Last evaluated: 2025-01-24. Review status: criteria provided, single submitter. Criteria: Ambry Variant Classification Scheme 2023. Collection method: clinical testing. Allele origin: germline.

Eurofins Ntd Llc (ga)
Classification: Uncertain significance. Last evaluated: 2016-12-25. Review status: criteria provided, single submitter. Criteria: EGL Classification Definitions 2015. Collection method: clinical testing. Allele origin: germline. Observed: 1 variant allele, 1 heterozygote.